The following is an entry in ClinVar:

NM_130811.4(SNAP25):c.42G>A (p.Met14Ile)

Gene: SNAP25 (synaptosome associated protein 25; plus strand). Cytogenetic location: 20p12.2.
Variant type: single nucleotide variant.
Coding change: c.42G>A on transcript NM_130811.4 (MANE Select); coding-DNA position 42, G replaced by A.
Protein change: p.Met14Ile; replaces methionine 14 with isoleucine.
Molecular consequence: missense variant.
Genome position (GRCh38, 1-based): chr20:10,275,533, G>A. VCF-style: chr20-10275533-G-A. GRCh37 (hg19) VCF-style: chr20-10256181-G-A.
Other names: c.42G>A, p.Met14Ile (NM_001424415.1, NM_001424416.1, NM_003081.5 and 9 more transcripts); short protein forms M14I.
Identifiers: ClinVar variation 3672303 (VCV003672303.2).

ClinVar aggregate classification (germline): Uncertain significance (1 of 4 stars; one submission).

Conditions:
Congenital myasthenic syndrome 18. Also called: MYASTHENIC SYNDROME, CONGENITAL, 18, WITH INTELLECTUAL DISABILITY AND ATAXIA. Identifiers: Orphanet 590, MedGen C4225364, MONDO:0014590, OMIM 616330.

Submission:

Labcorp Genetics (formerly Invitae), Labcorp
Classification: Uncertain significance for Congenital myasthenic syndrome 18. Last evaluated: 2024-08-06. Review status: criteria provided, single submitter. Criteria: Invitae Variant Classification Sherloc (09022015). Collection method: clinical testing. Allele origin: germline.
Comment: This sequence change replaces methionine, which is neutral and non-polar, with isoleucine, which is neutral and non-polar, at codon 14 of the SNAP25 protein (p.Met14Ile). This variant is not present in population databases (gnomAD no frequency). This variant has not been reported in the literature in individuals affected with SNAP25-related conditions. An algorithm developed to predict the effect of missense changes on protein structure and function (PolyPhen-2) suggests that this variant is likely to be tolerated. In summary, the available evidence is currently insufficient to determine the role of this variant in disease. Therefore, it has been classified as a Variant of Uncertain Significance.